The following is an entry in ClinVar:

NM_003737.4(DCHS1):c.3851G>A (p.Arg1284Gln)

Gene: DCHS1 (dachsous cadherin-related 1; minus strand). Cytogenetic location: 11p15.4.
Variant type: single nucleotide variant.
Coding change: c.3851G>A on transcript NM_003737.4 (MANE Select); coding-DNA position 3851, G replaced by A.
Protein change: p.Arg1284Gln; replaces arginine 1284 with glutamine.
Molecular consequence: missense variant.
Genome position (GRCh38, 1-based): chr11:6,631,132, C>T on the plus strand (G>A on the coding strand, the complement: DCHS1 is on the minus strand). VCF-style: chr11-6631132-C-T. GRCh37 (hg19) VCF-style: chr11-6652363-C-T.
Other names: short protein forms R1284Q.
Identifiers: ClinVar variation 2801033 (VCV002801033.3), dbSNP rs2493826640, ClinGen allele CA379408566.
Genomic context (GRCh38, chr11:6,631,132, plus strand): 5'-CTGGCACTTCGAGGAGGGCTGCCTTGGTCATGAGCACTCAGTGTCAGCACATAGTGGGGC[C>T]GCTCTGCTCGGATCAGGGGAGCTGCAGTGAGCAGCTCCCCTGAGTGAGGGTGCAGAGAGA-3'
Protein context (NP_003728.1, residues 1274-1294): LTAAPLIRAE[Arg1284Gln]PHYVLTLSAH

ClinVar aggregate classification (germline): Uncertain significance (1 of 4 stars; one submission).

Allele frequency attached by ClinVar (database versions not stated): gnomAD exomes below 0.00001.
gnomAD v4.1: 2 of 1,613,454 alleles (0.00012%); highest among the groups gnomAD compares: South Asian, 0.0011%; no homozygotes.

Submission:

Labcorp Genetics (formerly Invitae), Labcorp
Classification: Uncertain significance. Last evaluated: 2022-11-13. Review status: criteria provided, single submitter. Criteria: Invitae Variant Classification Sherloc (09022015). Collection method: clinical testing. Allele origin: germline.
Comment: This sequence change replaces arginine, which is basic and polar, with glutamine, which is neutral and polar, at codon 1284 of the DCHS1 protein (p.Arg1284Gln). Advanced modeling of protein sequence and biophysical properties (such as structural, functional, and spatial information, amino acid conservation, physicochemical variation, residue mobility, and thermodynamic stability) performed at Invitae indicates that this missense variant is not expected to disrupt DCHS1 protein function. This variant has not been reported in the literature in individuals affected with DCHS1-related conditions. This variant is not present in population databases (gnomAD no frequency). In summary, the available evidence is currently insufficient to determine the role of this variant in disease. Therefore, it has been classified as a Variant of Uncertain Significance.